The following is an entry in ClinVar:

NM_001101648.2(NPC1L1):c.3086T>A (p.Leu1029Gln)

Gene: NPC1L1 (NPC1 like intracellular cholesterol transporter 1; minus strand). Cytogenetic location: 7p13.
Variant type: single nucleotide variant.
Coding change: c.3086T>A on transcript NM_001101648.2 (MANE Select); coding-DNA position 3086, T replaced by A.
Protein change: p.Leu1029Gln; replaces leucine 1029 with glutamine.
Molecular consequence: missense variant.
Genome position (GRCh38, 1-based): chr7:44,520,815, A>T on the plus strand (T>A on the coding strand, the complement: NPC1L1 is on the minus strand). VCF-style: chr7-44520815-A-T. GRCh37 (hg19) VCF-style: chr7-44560414-A-T.
Other names: c.3086T>A, p.Leu1029Gln (NM_013389.3); short protein forms L1029Q.
Identifiers: ClinVar variation 403259 (VCV000403259.4), dbSNP rs1060499885, ClinGen allele CA16609739.

ClinVar aggregate classification (germline): Uncertain significance (1 of 4 stars; one submission).

Submission:

Laboratory for Molecular Medicine, Mass General Brigham Personalized Medicine
Classification: Uncertain significance. Last evaluated: 2016-03-29. Review status: criteria provided, single submitter. Criteria: LMM Criteria. Collection method: clinical testing. Allele origin: germline.
Comment: Variant identified in a genome or exome case(s) and assessed due to predicted null impact of the variant or pathogenic assertions in the literature or databases. Disclaimer: This variant has not undergone full assessment. The following are preliminary notes: Not reported. No information available. Gene is associated with hyperlipidemia